The following is an entry in ClinVar:

ClinVar aggregate classification (germline): Uncertain significance (1 of 4 stars; one submission).

Allele frequency attached by ClinVar (database versions not stated): gnomAD exomes below 0.00001; TOPMed 0.00001.
gnomAD v4.1: 6 of 1,614,208 alleles (0.00037%); highest among the groups gnomAD compares: Middle Eastern, 0.033%; no homozygotes.

Submission:

Labcorp Genetics (formerly Invitae), Labcorp
Classification: Uncertain significance. Last evaluated: 2024-02-17. Review status: criteria provided, single submitter. Criteria: Invitae Variant Classification Sherloc (09022015). Collection method: clinical testing. Allele origin: germline.
Comment: This sequence change replaces threonine, which is neutral and polar, with alanine, which is neutral and non-polar, at codon 532 of the SGPL1 protein (p.Thr532Ala). This variant is present in population databases (no rsID available, gnomAD 0.002%). This variant has not been reported in the literature in individuals affected with SGPL1-related conditions. ClinVar contains an entry for this variant (Variation ID: 1910652). An algorithm developed to predict the effect of missense changes on protein structure and function (PolyPhen-2) suggests that this variant¬†is likely to be tolerated. In summary, the available evidence is currently insufficient to determine the role of this variant in disease. Therefore, it has been classified as a Variant of Uncertain Significance.

NM_003901.4(SGPL1):c.1594A>G (p.Thr532Ala)

Gene: SGPL1 (sphingosine-1-phosphate lyase 1; plus strand). Cytogenetic location: 10q22.1.
Variant type: single nucleotide variant.
Coding change: c.1594A>G on transcript NM_003901.4 (MANE Select); coding-DNA position 1594, A replaced by G.
Protein change: p.Thr532Ala; replaces threonine 532 with alanine.
Molecular consequence: missense variant.
Genome position (GRCh38, 1-based): chr10:70,877,222, A>G. VCF-style: chr10-70877222-A-G. GRCh37 (hg19) VCF-style: chr10-72636979-A-G.
Other names: short protein forms T532A.
Identifiers: ClinVar variation 1910652 (VCV001910652.3), dbSNP rs1385603588, ClinGen allele CA377126860.